The following is an entry in ClinVar:

NM_001040142.2(SCN2A):c.1649del (p.Lys550fs)

Gene: SCN2A (sodium voltage-gated channel alpha subunit 2; plus strand). Cytogenetic location: 2q24.3.
Variant type: Deletion.
Coding change: c.1649del on transcript NM_001040142.2 (MANE Select); coding-DNA position 1649, one base deleted (A; older notation c.1649delA).
Protein change: p.Lys550fs; shifts the reading frame from lysine 550.
Molecular consequence: frameshift variant.
Genome position (GRCh38, 1-based): chr2:165,315,736, A deleted; the last of 4 consecutive A bases (chr2:165,315,733-165,315,736); deleting any one gives the same sequence. VCF-style (leftmost placement, unchanged base first): chr2-165315732-GA-G. GRCh37 (hg19) VCF-style: chr2-166172242-GA-G.
Other names: c.1649del, p.Lys550fs (NM_001040143.2, NM_001371246.1, NM_001371247.1 and 1 more transcripts); c.1649delA (NM_021007.2); short protein forms K550fs.
Identifiers: ClinVar variation 265662 (VCV000265662.2), dbSNP rs886039710, ClinGen allele CA10588314.

ClinVar aggregate classification (germline): Pathogenic (1 of 4 stars; one submission).

Submission:

GeneDx
Classification: Pathogenic. Last evaluated: 2016-08-19. Review status: criteria provided, single submitter. Criteria: GeneDx Variant Classification (06012015). Collection method: clinical testing. Allele origin: germline. Affected: yes.
Comment: The c.1649delA pathogenic variant in the SCN2A gene causes a frameshift starting with codon Lysine 550, changes this amino acid to a Arginine residue and creates a premature Stop codon at position 11 of the new reading frame, denoted p.K550RfsX11. This pathogenic variant is predicted to cause loss of normal protein function either through protein truncation or nonsense-mediated mRNA decay.